The following is an entry in ClinVar:

ClinVar aggregate classification (germline): Likely pathogenic (1 of 4 stars; one submission).

Conditions:
Focal segmental glomerulosclerosis 1 (FSGS1). Identifiers: Orphanet 656, MedGen C4551527, MONDO:0011303, OMIM 603278.

Submission:

3billion
Classification: Likely pathogenic for Focal segmental glomerulosclerosis 1. Review status: criteria provided, single submitter. Criteria: ACMG Guidelines, 2015. Collection method: clinical testing. Allele origin: unknown. Affected: yes. Observed: 1 heterozygote.
Comment: The variant is not observed in the gnomAD v2.1.1 dataset. In silico tool predictions suggest damaging effect of the variant on gene or gene product (REVEL: 0.92; 3Cnet: 0.66). A different missense change at the same codon (p.Ala165Val) has been reported as pathogenic/likely pathogenic with strong evidence (PMID: 36090564). Therefore, this variant is classified as Likely pathogenic according to the recommendation of ACMG/AMP guideline.

Literature cited by the submitters: PubMed 36090564.

NM_004924.6(ACTN4):c.493G>A (p.Ala165Thr)

Gene: ACTN4 (actinin alpha 4; plus strand). Cytogenetic location: 19q13.2.
Variant type: single nucleotide variant.
Coding change: c.493G>A on transcript NM_004924.6 (MANE Select); coding-DNA position 493, G replaced by A.
Protein change: p.Ala165Thr; replaces alanine 165 with threonine.
Molecular consequence: missense variant.
Genome position (GRCh38, 1-based): chr19:38,706,052, G>A. VCF-style: chr19-38706052-G-A. GRCh37 (hg19) VCF-style: chr19-39196692-G-A.
Other names: c.493G>A, p.Ala165Thr (NM_001322033.2, NM_001411143.1); short protein forms A165T.
Identifiers: ClinVar variation 2572429 (VCV002572429.1), dbSNP rs2515200645, ClinGen allele CA405690799.